The following is an entry in ClinVar:

NM_015215.4(CAMTA1):c.319A>G (p.Met107Val)

Gene: CAMTA1 (calmodulin binding transcription activator 1; plus strand). Cytogenetic location: 1p36.23.
Variant type: single nucleotide variant.
Coding change: c.319A>G on transcript NM_015215.4 (MANE Select); coding-DNA position 319, A replaced by G.
Protein change: p.Met107Val; replaces methionine 107 with valine.
Molecular consequence: missense variant.
Genome position (GRCh38, 1-based): chr1:7,249,507, A>G. VCF-style: chr1-7249507-A-G. GRCh37 (hg19) VCF-style: chr1-7309567-A-G.
Other names: c.229A>G, p.Met77Val (NM_001349608.2, NM_001349612.2); c.319A>G, p.Met107Val (NM_001349609.2, NM_001349610.2); c.319A>G (NM_015215.2); short protein forms M107V, M77V.
Identifiers: ClinVar variation 1303701 (VCV001303701.4), dbSNP rs765321824, ClinGen allele CA566134.

ClinVar aggregate classification (germline): Uncertain significance. Review status: criteria provided, multiple submitters, no conflicts (2 of 4 stars). 2 submissions from 2 submitters: Uncertain significance (2). Last evaluated 2021-08-02.

Conditions:
Inborn genetic diseases. Identifiers: MedGen C0950123, MeSH D030342.

Allele frequency attached by ClinVar (database versions not stated): gnomAD exomes 0.00001 and 0.00004; gnomAD 0.00002 and 0.00003; ExAC 0.00003; TOPMed 0.00007.

Submissions (2):

Ambry Genetics
Classification: Uncertain significance for Inborn genetic diseases. Last evaluated: 2021-08-02. Review status: criteria provided, single submitter. Criteria: Ambry Variant Classification Scheme 2023. Collection method: clinical testing. Allele origin: germline.

GeneDx
Classification: Uncertain significance. Last evaluated: 2020-09-08. Review status: criteria provided, single submitter. Criteria: GeneDx Variant Classification Process June 2021. Collection method: clinical testing. Allele origin: germline. Affected: yes.
Comment: In silico analysis supports that this missense variant does not alter protein structure/function; Has not been previously published as pathogenic or benign to our knowledge